The following is an entry in ClinVar:

ClinVar aggregate classification (germline): Pathogenic. Review status: criteria provided, multiple submitters, no conflicts (2 of 4 stars). 3 submissions from 3 submitters: Pathogenic (3). Last evaluated 2025-02-19.

Conditions:
Hereditary cancer-predisposing syndrome. Also called: Hereditary Cancer Syndrome; Hereditary neoplastic syndrome; Neoplastic Syndromes, Hereditary; Tumor predisposition. Identifiers: Orphanet 140162, MedGen C0027672, MeSH D009386, MONDO:0015356.
Familial melanoma. Also called: Hereditary melanoma; Hereditary cutaneous melanoma. Identifiers: Orphanet 618, MedGen C1512419, MONDO:0018961.
Melanoma-pancreatic cancer syndrome. Identifiers: Orphanet 404560, MedGen C1838547, MONDO:0011713, OMIM 606719. Disease mechanism: loss of function.

Submissions (3):

Labcorp Genetics (formerly Invitae), Labcorp
Classification: Pathogenic for Familial melanoma. Last evaluated: 2025-02-19. Review status: criteria provided, single submitter. Criteria: Invitae Variant Classification Sherloc (09022015). Collection method: clinical testing. Allele origin: germline.
Comment: This sequence change creates a premature translational stop signal (p.Ser43*) in the CDKN2A (p16INK4a) gene. It is expected to result in an absent or disrupted protein product. Loss-of-function variants in CDKN2A (p16INK4a) are known to be pathogenic (PMID: 15146471, 16905682). This variant is not present in population databases (gnomAD no frequency). This variant has not been reported in the literature in individuals affected with CDKN2A (p16INK4a)-related conditions. ClinVar contains an entry for this variant (Variation ID: 1069074). For these reasons, this variant has been classified as Pathogenic.

Ambry Genetics
Classification: Pathogenic for Hereditary cancer-predisposing syndrome. Last evaluated: 2024-08-19. Review status: criteria provided, single submitter. Criteria: Ambry Variant Classification Scheme 2023. Collection method: clinical testing. Allele origin: germline.
Comment: The c.126dupT pathogenic mutation, located in coding exon 1 of the CDKN2A gene, results from a duplication of T at nucleotide position 126, causing a translational frameshift with a predicted alternate stop codon (p.S43*). This variant is considered to be rare based on population cohorts in the Genome Aggregation Database (gnomAD). This alteration is expected to result in loss of function by premature protein truncation or nonsense-mediated mRNA decay. As such, this alteration is interpreted as a disease-causing mutation.

Myriad Genetics, Inc.
Classification: Pathogenic for Melanoma-pancreatic cancer syndrome. Last evaluated: 2024-07-10. Review status: criteria provided, single submitter. Criteria: Myriad Autosomal Dominant, Autosomal Recessive and X-Linked Classification Criteria (2023). Collection method: clinical testing. Allele origin: unknown.
Comment: This variant is considered pathogenic. This variant creates a termination codon and is predicted to result in premature protein truncation.

Literature cited by the submitters: PubMed 15146471 (cited by Labcorp Genetics (formerly Invitae), Labcorp); PubMed 16905682 (cited by Labcorp Genetics (formerly Invitae), Labcorp).

NM_000077.5(CDKN2A):c.126dup (p.Ser43Ter)

Gene: CDKN2A (cyclin dependent kinase inhibitor 2A; minus strand). Cytogenetic location: 9p21.3.
Variant type: Duplication.
Coding change: c.126dup on transcript NM_000077.5; coding-DNA position 126, one base duplicated (T; older notation c.126dupT).
Protein change: p.Ser43Ter; replaces serine 43 with a stop codon.
Molecular consequence: frameshift variant, nonsense (on NM_000077.6). On other transcripts: intron variant (2).
Genome position (GRCh38, 1-based): chr9:21,974,702, A duplicated on the plus strand (T on the coding strand, the reverse complement: CDKN2A is on the minus strand). VCF-style (leftmost placement, unchanged base first): chr9-21974701-T-TA. GRCh37 (hg19) VCF-style: chr9-21974700-T-TA.
Other names: c.126dup, p.Ser43Terfs (NM_000077.6); c.126dup, p.Ser43Ter (NM_001195132.2, NM_058197.5); c.-3-3494dup (NM_001363763.2); c.194-3494dup (NM_058195.4); c.126dupT (NM_000077.4); short protein forms S43*.
Identifiers: ClinVar variation 1069074 (VCV001069074.10), dbSNP rs2131112280, ClinGen allele CA2499219825.